The following is an entry in ClinVar:

ClinVar aggregate classification (germline): Uncertain significance. Review status: criteria provided, multiple submitters, no conflicts (2 of 4 stars). 2 submissions from 2 submitters: Uncertain significance (2). Last evaluated 2025-03-18.

Conditions:
Cardiovascular phenotype. Identifiers: MedGen CN230736.
Ehlers-Danlos syndrome, kyphoscoliotic type, 2. Also called: FKBP14-Kyphoscoliotic Ehlers-Danlos Syndrome; Ehlers-Danlos syndrome with progressive kyphoscoliosis, myopathy, and hearing loss; Ehlers-Danlos syndrome, kyphoscoliotic and deafness type. Identifiers: Orphanet 300179, MedGen C3281160, MONDO:0013800, OMIM 614557.

Allele frequency attached by ClinVar (database versions not stated): gnomAD 0.00002; TOPMed 0.00003.
gnomAD v4.1: 4 of 1,611,652 alleles (0.00025%); highest among the groups gnomAD compares: African/African-American, 0.0054%; no homozygotes.

Submissions (2):

Ambry Genetics
Classification: Uncertain significance for Cardiovascular phenotype. Last evaluated: 2025-03-18. Review status: criteria provided, single submitter. Criteria: Ambry Variant Classification Scheme 2023. Collection method: clinical testing. Allele origin: germline.

Labcorp Genetics (formerly Invitae), Labcorp
Classification: Uncertain significance for Ehlers-Danlos syndrome, kyphoscoliotic type, 2. Last evaluated: 2022-02-03. Review status: criteria provided, single submitter. Criteria: Invitae Variant Classification Sherloc (09022015). Collection method: clinical testing. Allele origin: germline.
Comment: Algorithms developed to predict the effect of missense changes on protein structure and function (SIFT, PolyPhen-2, Align-GVGD) all suggest that this variant is likely to be tolerated. This variant has not been reported in the literature in individuals affected with FKBP14-related conditions. The frequency data for this variant in the population databases is considered unreliable, as metrics indicate poor data quality at this position in the gnomAD database. This sequence change replaces tryptophan, which is neutral and slightly polar, with glycine, which is neutral and non-polar, at codon 6 of the FKBP14 protein (p.Trp6Gly). In summary, the available evidence is currently insufficient to determine the role of this variant in disease. Therefore, it has been classified as a Variant of Uncertain Significance.

NM_017946.4(FKBP14):c.16T>G (p.Trp6Gly)

Genes: FKBP14 (FKBP prolyl isomerase 14; minus strand), FKBP14-AS1 (FKBP14 antisense RNA 1; plus strand). Cytogenetic location: 7p14.3.
Variant type: single nucleotide variant.
Coding change: c.16T>G on transcript NM_017946.4 (MANE Select); coding-DNA position 16, T replaced by G.
Protein change: p.Trp6Gly; replaces tryptophan 6 with glycine.
Molecular consequence: missense variant. On other transcripts: non-coding transcript variant (2).
Genome position (GRCh38, 1-based): chr7:30,026,493, A>C on the plus strand (T>G on the coding strand, the complement: FKBP14 is on the minus strand). VCF-style: chr7-30026493-A-C. GRCh37 (hg19) VCF-style: chr7-30066109-A-C.
Other names: c.16T>G (NM_017946.2); short protein forms W6G.
Identifiers: ClinVar variation 1423955 (VCV001423955.11), dbSNP rs935382945, ClinGen allele CA156005462.